The following is an entry in ClinVar:

NM_000208.4(INSR):c.*3877T>C

Gene: INSR (insulin receptor; minus strand). Cytogenetic location: 19p13.2.
Variant type: single nucleotide variant.
Coding change: c.*3877T>C on transcript NM_000208.4 (MANE Select); 3877 bases downstream of the stop codon, T replaced by C.
Molecular consequence: 3 prime UTR variant.
Genome position (GRCh38, 1-based): chr19:7,113,179, A>G on the plus strand (T>C on the coding strand, the complement: INSR is on the minus strand). VCF-style: chr19-7113179-A-G. GRCh37 (hg19) VCF-style: chr19-7113190-A-G.
Other names: c.*3877T>C (NM_001079817.3).
Identifiers: ClinVar variation 330358 (VCV000330358.5), dbSNP rs148660410, ClinGen allele CA10643369.
Genomic context (GRCh38, chr19:7,113,179, plus strand): 5'-TAGCACTGGGACTACAGCACATCCATTTACCGGATGACCAGCGCAAGTCATATGCTGATG[A>G]CGCTCCTGCTCTTTCACACGTGTTACAGCAGACTACAAATAAACACCTCCCAATCCAATA-3'

ClinVar aggregate classification (germline): Likely benign. Review status: criteria provided, single submitter (1 of 4 stars). 3 submissions from 1 submitter: Likely benign (3). Last evaluated 2018-01-13.

Conditions:
Rabson-Mendenhall syndrome. Also called: MENDENHALL SYNDROME; Pineal Hyperplasia, Insulin-Resistant Diabetes Mellitus, and Somatic Abnormalities; Pineal hyperplasia AND diabetes mellitus syndrome. Identifiers: Orphanet 769, MedGen C0271695, MONDO:0009874, OMIM 262190.
Leprechaunism syndrome. Also called: Donohue syndrome; LEPRECHAUNISM. Identifiers: Orphanet 508, MedGen C0265344, MONDO:0009517, OMIM 246200.
Insulin-resistant diabetes mellitus AND acanthosis nigricans. Also called: Insulin-resistance syndrome type A; INSULIN RECEPTOR, DEFECT IN, WITH INSULIN-RESISTANT DIABETES MELLITUS AND ACANTHOSIS NIGRICANS; IRAN, TYPE A; type A insulin resistance; DIABETES MELLITUS, INSULIN-RESISTANT, WITH ACANTHOSIS NIGRICANS, TYPE A. Identifiers: Orphanet 2297, MedGen C0342278, MONDO:0012520, OMIM 610549.

Allele frequency attached by ClinVar (database versions not stated): gnomAD 0.00025 and 0.00049; TOPMed 0.00046; 1000 Genomes Project 0.00260; 1000 Genomes Project 30x 0.00265.

Submissions (3):

Illumina Laboratory Services, Illumina
Classification: Likely benign for Leprechaunism syndrome. Last evaluated: 2018-01-13. Review status: criteria provided, single submitter. Criteria: ICSL Variant Classification Criteria 13 December 2019. Collection method: clinical testing. Allele origin: germline.
Comment: This variant was observed in the ICSL laboratory as part of a predisposition screen in an ostensibly healthy population. It had not been previously curated by ICSL or reported in the Human Gene Mutation Database (HGMD: prior to June 1st, 2018), and was therefore a candidate for classification through an automated scoring system. Utilizing variant allele frequency, disease prevalence and penetrance estimates, and inheritance mode, an automated score was calculated to assess if this variant is too frequent to cause the disease. Based on the score and internal cut-off values, a variant classified as likely benign is not then subjected to further curation. The score for this variant resulted in a classification of likely benign for this disease.

Illumina Laboratory Services, Illumina
Classification: Likely benign for Rabson-Mendenhall syndrome. Last evaluated: 2018-01-13. Review status: criteria provided, single submitter. Criteria: ICSL Variant Classification Criteria 13 December 2019. Collection method: clinical testing. Allele origin: germline.
Comment: the same text as in the submission from Illumina Laboratory Services, Illumina above.

Illumina Laboratory Services, Illumina
Classification: Likely benign for Insulin-resistant diabetes mellitus AND acanthosis nigricans. Last evaluated: 2018-01-13. Review status: criteria provided, single submitter. Criteria: ICSL Variant Classification Criteria 13 December 2019. Collection method: clinical testing. Allele origin: germline.
Comment: the same text as in the submission from Illumina Laboratory Services, Illumina above.